The following is an entry in ClinVar:

NM_001379500.1(COL18A1):c.3661G>A (p.Asp1221Asn)

Genes: COL18A1 (collagen type XVIII alpha 1 chain; plus strand), SLC19A1 (solute carrier family 19 member 1; minus strand). Cytogenetic location: 21q22.3.
Variant type: single nucleotide variant.
Coding change: c.3661G>A on transcript NM_001379500.1 (MANE Select); coding-DNA position 3661, G replaced by A.
Protein change: p.Asp1221Asn; replaces aspartic acid 1221 with asparagine.
Molecular consequence: missense variant.
Genome position (GRCh38, 1-based): chr21:45,510,229, G>A. VCF-style: chr21-45510229-G-A. GRCh37 (hg19) VCF-style: chr21-46930143-G-A.
Other names: c.4192G>A, p.Asp1398Asn (NM_030582.4); c.4897G>A, p.Asp1633Asn (NM_130444.3); short protein forms D1398N, D1221N, D1633N.
Identifiers: ClinVar variation 1516907 (VCV001516907.3), dbSNP rs778532799, ClinGen allele CA10067993.

ClinVar aggregate classification (germline): Uncertain significance (1 of 4 stars; one submission).

Allele frequency attached by ClinVar (database versions not stated): ExAC 0.00007; gnomAD exomes 0.00010; TOPMed 0.00010; gnomAD 0.00015 and 0.00016.
gnomAD v4.1: 194 of 1,606,184 alleles (0.012%); highest among the groups gnomAD compares: Admixed American, 0.029%; no homozygotes.

Submission:

Labcorp Genetics (formerly Invitae), Labcorp
Classification: Uncertain significance. Last evaluated: 2022-07-23. Review status: criteria provided, single submitter. Criteria: Invitae Variant Classification Sherloc (09022015). Collection method: clinical testing. Allele origin: germline.
Comment: This sequence change replaces aspartic acid, which is acidic and polar, with asparagine, which is neutral and polar, at codon 1218 of the COL18A1 protein (p.Asp1218Asn). This variant is present in population databases (rs778532799, gnomAD 0.02%). This variant has not been reported in the literature in individuals affected with COL18A1-related conditions. ClinVar contains an entry for this variant (Variation ID: 1516907). Experimental studies and prediction algorithms are not available or were not evaluated, and the functional significance of this variant is currently unknown. In summary, the available evidence is currently insufficient to determine the role of this variant in disease. Therefore, it has been classified as a Variant of Uncertain Significance.